The following is an entry in ClinVar:

ClinVar aggregate classification (germline): Pathogenic. Review status: criteria provided, single submitter (1 of 4 stars). 3 submissions from 3 submitters: Pathogenic (1). 2 of the submissions do not count toward it. Last evaluated 2021-05-28.

Conditions:
beta Thalassemia (BTHAL). Also called: Cooley's anemia; Erythroblastic anemia; Mediterranean anemia. Identifiers: Orphanet 848, MedGen C0005283, MONDO:0019402. Disease mechanism: loss of function.
Beta zero thalassemia. Identifiers: MedGen C0271980.

Submissions (3):

Quest Diagnostics Nichols Institute San Juan Capistrano
Classification: Pathogenic. Last evaluated: 2021-05-28. Review status: criteria provided, single submitter. Criteria: Quest Diagnostics criteria. Collection method: clinical testing. Allele origin: unknown.
Comment: This pathogenic variant abolishes the synthesis of normal beta-globin mRNA from the mutant allele and is associated with beta(0)-thalassemia ( PMID: 1398296 (1992)).

The ITHANET community portal, The Cyprus Institute of Neurology and Genetics
Classification: Pathogenic for beta Thalassemia. Last evaluated: 2019-11-25. Review status: no assertion criteria provided. Collection method: curation. Allele origin: germline. Not counted in ClinVar's aggregate classification.

OMIM
Classification: Pathogenic for BETA-ZERO-THALASSEMIA. Last evaluated: 1992-03-01. Review status: no assertion criteria provided. Collection method: literature only. Allele origin: germline. Not counted in ClinVar's aggregate classification.

Literature cited by the submitters: PubMed 1398296 (cited by 3 submitters).

NM_000518.5(HBB):c.316-1G>C

Genes: HBB (hemoglobin subunit beta; minus strand), LOC107133510 (origin of replication at HBB; plus strand), LOC110006319 (beta-globin gene 3' regulatory region; plus strand). Cytogenetic location: 11p15.4.
Variant type: single nucleotide variant.
Coding change: c.316-1G>C on transcript NM_000518.5 (MANE Select); the canonical splice acceptor site of the intron before coding-DNA position 316, G replaced by C.
Molecular consequence: splice acceptor variant.
Genome position (GRCh38, 1-based): chr11:5,225,727, C>G on the plus strand (G>C on the coding strand, the complement: HBB is on the minus strand). VCF-style: chr11-5225727-C-G. GRCh37 (hg19) VCF-style: chr11-5246957-C-G.
Other names: IVS II-850 G>C; IVS2, G-C, -1.
Identifiers: ClinVar variation 15512 (VCV000015512.4), dbSNP rs33952266, ClinGen allele CA217112854.